The following is an entry in ClinVar:

ClinVar aggregate classification (germline): Benign/Likely benign. Review status: criteria provided, multiple submitters, no conflicts (2 of 4 stars). 7 submissions from 7 submitters: Benign (6); Likely benign (1). Last evaluated 2026-02-03.

Conditions:
Hypertrophic cardiomyopathy 10. Also called: CARDIOMYOPATHY, HYPERTROPHIC, MID-LEFT VENTRICULAR CHAMBER TYPE, 2; MYL2-Related Familial Hypertrophic Cardiomyopathy. Identifiers: MedGen C1834460, MONDO:0012112, OMIM 608758.
Cardiomyopathy (CMYO). Also called: Cardiomyopathies. Identifiers: Orphanet 167848, MedGen C0878544, MONDO:0004994, HP:0001638. Inheritance: Various modes of inheritance.

Allele frequency attached by ClinVar (database versions not stated): gnomAD exomes 0.00010 and 0.00028; ExAC 0.00037; gnomAD 0.00094 and 0.00105; TOPMed 0.00104; 1000 Genomes Project 0.00120; 1000 Genomes Project 30x 0.00125; ESP Exome Variant Server 0.00768.

Submissions (7):

Labcorp Genetics (formerly Invitae), Labcorp
Classification: Benign for Hypertrophic cardiomyopathy 10. Last evaluated: 2026-02-03. Review status: criteria provided, single submitter. Criteria: Invitae Variant Classification Sherloc (09022015). Collection method: clinical testing. Allele origin: germline.

Women's Health and Genetics/Laboratory Corporation of America, LabCorp
Classification: Benign. Last evaluated: 2025-01-25. Review status: criteria provided, single submitter. Criteria: LabCorp Variant Classification Summary - May 2015. Collection method: clinical testing. Allele origin: germline.

Blueprint Genetics
Classification: Likely benign. Last evaluated: 2024-10-23. Review status: criteria provided, single submitter. Criteria: ACMG Guidelines, 2015. Collection method: clinical testing. Allele origin: germline.

ARUP Laboratories, Molecular Genetics and Genomics, ARUP Laboratories
Classification: Benign for Hypertrophic cardiomyopathy 10. Last evaluated: 2021-04-28. Review status: criteria provided, single submitter. Criteria: ARUP Molecular Germline Variant Investigation Process 2021. Collection method: clinical testing. Allele origin: germline.

Color Diagnostics, LLC DBA Color Health
Classification: Benign for Cardiomyopathy. Last evaluated: 2018-10-16. Review status: criteria provided, single submitter. Criteria: ACMG Guidelines, 2015. Collection method: clinical testing. Allele origin: germline.

GeneDx
Classification: Benign for Cardiomyopathy. Last evaluated: 2013-12-21. Review status: criteria provided, single submitter. Criteria: GeneDx Variant Classification (06012015). Collection method: clinical testing. Allele origin: germline. Affected: yes.
Comment: The variant is found in HCM panel(s).

Laboratory for Molecular Medicine, Mass General Brigham Personalized Medicine
Classification: Benign. Last evaluated: 2013-04-12. Review status: criteria provided, single submitter. Criteria: LMM Criteria. Collection method: clinical testing. Allele origin: germline. Observed: 1 variant allele.
Comment: 4-14delC in intron 1 of MYL2: This variant is not expected to have clinical sign ificance because it has been identified in 2.2% (94/4252) of African American ch romosomes by the NHLBI Exome Sequecing Project.

NM_000432.4(MYL2):c.4-14del

Genes: MYL2 (myosin light chain 2; minus strand), LOC114827850 (VISTA enhancer hs2149; plus strand). Cytogenetic location: 12q24.11.
Variant type: Deletion.
Coding change: c.4-14del on transcript NM_000432.4 (MANE Select); 14 bases into the intron before coding-DNA position 4, one base deleted (C; older notation c.4-14delC).
Molecular consequence: intron variant.
Genome position (GRCh38, 1-based): chr12:110,919,207, G deleted on the plus strand (C on the coding strand, the reverse complement: MYL2 is on the minus strand). VCF-style (leftmost placement, unchanged base first): chr12-110919206-AG-A. GRCh37 (hg19) VCF-style: chr12-111357010-AG-A.
Other names: c.4-14delC (NM_000432.4, NM_000432.3).
Identifiers: ClinVar variation 178888 (VCV000178888.23), dbSNP rs531661702, ClinGen allele CA010318.
Genomic context (GRCh38, chr12:110,919,206, plus strand): 5'-CACGTTGGAGTTGGCGCCCCCGGCTCTCTTCTTTGCTTTCTTAGGTGCCTGGGGGAAAAA[AG>A]CATCGATTAAAAGAGTGAGAGGCTGGGAGTCAAAAAACTAGGTCAGGCCCCTACTCTGGG-3'